The following is an entry in ClinVar:

NM_000038.6(APC):c.403_404insTT (p.Glu135fs)

Gene: APC (APC regulator of Wnt signaling pathway; plus strand). Cytogenetic location: 5q22.2.
Variant type: Insertion.
Coding change: c.403_404insTT on transcript NM_000038.6 (MANE Select); coding-DNA positions 403 to 404, TT inserted.
Protein change: p.Glu135fs; shifts the reading frame from glutamic acid 135.
Molecular consequence: frameshift variant. On other transcripts: 5 prime UTR variant (1).
Genome position: GRCh38 VCF-style: chr5-112767371-G-GTT. GRCh37 (hg19) VCF-style: chr5-112103068-G-GTT.
Other names: c.403_404insTT, p.Glu135fs (NM_001127510.3, NM_001354895.2, NM_001354896.2 and 2 more transcripts); c.433_434insTT, p.Glu145fs (NM_001127511.3, NM_001354897.2, NM_001354902.2); c.328_329insTT, p.Glu110fs (NM_001354898.2, NM_001354904.2); c.226_227insTT, p.Glu76fs (NM_001354900.2, NM_001354901.2, NM_001354905.2); c.-633_-632insTT (NM_001354906.2); short protein forms E135fs, E145fs, E76fs, E110fs.
Identifiers: ClinVar variation 969094 (VCV000969094.9), dbSNP rs1756475997, ClinGen allele CA1139658992.

ClinVar aggregate classification (germline): Pathogenic (1 of 4 stars; one submission).

Conditions:
Familial adenomatous polyposis 1 (FAP1). Also called: FAMILIAL ADENOMATOUS POLYPOSIS 1, ATTENUATED; POLYPOSIS, ADENOMATOUS INTESTINAL. Identifiers: MedGen C2713442, MONDO:0021056, OMIM 175100. Disease mechanism: loss of function.

Submission:

Labcorp Genetics (formerly Invitae), Labcorp
Classification: Pathogenic for Familial adenomatous polyposis 1. Last evaluated: 2019-11-13. Review status: criteria provided, single submitter. Criteria: Invitae Variant Classification Sherloc (09022015). Collection method: clinical testing. Allele origin: germline.
Comment: For these reasons, this variant has been classified as Pathogenic. Loss-of-function variants in APC are known to be pathogenic (PMID: 17963004, 20685668). This variant has not been reported in the literature in individuals with APC-related conditions. This variant is not present in population databases (ExAC no frequency). This sequence change creates a premature translational stop signal (p.Glu135Valfs*36) in the APC gene. It is expected to result in an absent or disrupted protein product.

Literature cited by the submitters: PubMed 17963004; PubMed 20685668.